The following is an entry in ClinVar:

ClinVar aggregate classification (germline): Uncertain significance. Review status: criteria provided, single submitter (1 of 4 stars). 2 submissions from 2 submitters: Uncertain significance (1). 1 of the submissions does not count toward it. Last evaluated 2024-11-07.

Conditions:
Inborn genetic diseases. Identifiers: MedGen C0950123, MeSH D030342.
RPGRIP1L-related disorder. Also called: RPGRIP1L-related condition; RPGRIP1L-related disorders. Identifiers: MedGen CN239416.

gnomAD v4.1: 3 of 1,606,702 alleles (0.00019%); highest among the groups gnomAD compares: African/African-American, 0.004%; no homozygotes.

Submissions (2):

Ambry Genetics
Classification: Uncertain significance for Inborn genetic diseases. Last evaluated: 2024-11-07. Review status: criteria provided, single submitter. Criteria: Ambry Variant Classification Scheme 2023. Collection method: clinical testing. Allele origin: germline.

PreventionGenetics, part of Exact Sciences
Classification: Uncertain significance for RPGRIP1L-related condition. Last evaluated: 2024-04-10. Review status: no assertion criteria provided. Collection method: clinical testing. Allele origin: germline. Not counted in ClinVar's aggregate classification.
Comment: The RPGRIP1L c.1690A>G variant is predicted to result in the amino acid substitution p.Lys564Glu. To our knowledge, this variant has not been reported in the literature. This variant is reported in 0.011% of alleles in individuals of African descent in gnomAD. At this time, the clinical significance of this variant is uncertain due to the absence of conclusive functional and genetic evidence.

NM_015272.5(RPGRIP1L):c.1690A>G (p.Lys564Glu)

Gene: RPGRIP1L (RPGRIP1 like; minus strand). Cytogenetic location: 16q12.2.
Variant type: single nucleotide variant.
Coding change: c.1690A>G on transcript NM_015272.5 (MANE Select); coding-DNA position 1690, A replaced by G.
Protein change: p.Lys564Glu; replaces lysine 564 with glutamic acid.
Molecular consequence: missense variant.
Genome position (GRCh38, 1-based): chr16:53,656,481, T>C on the plus strand (A>G on the coding strand, the complement: RPGRIP1L is on the minus strand). VCF-style: chr16-53656481-T-C. GRCh37 (hg19) VCF-style: chr16-53690393-T-C.
Other names: c.1690A>G, p.Lys564Glu (NM_001127897.4, NM_001308334.3, NM_001330538.2); c.1690A>G (NM_015272.2); short protein forms K564E.
Identifiers: ClinVar variation 3353108 (VCV003353108.2).